The following is an entry in ClinVar:

NM_001348323.3(TRIP12):c.1354+3A>C

Gene: TRIP12 (thyroid hormone receptor interactor 12; minus strand). Cytogenetic location: 2q36.3.
Variant type: single nucleotide variant.
Coding change: c.1354+3A>C on transcript NM_001348323.3 (MANE Select); 3 bases into the intron after coding-DNA position 1354, A replaced by C.
Molecular consequence: intron variant.
Genome position (GRCh38, 1-based): chr2:229,830,753, T>G on the plus strand (A>C on the coding strand, the complement: TRIP12 is on the minus strand). VCF-style: chr2-229830753-T-G. GRCh37 (hg19) VCF-style: chr2-230695469-T-G.
Other names: c.319+3A>C (NM_001284216.2); c.1210+3A>C (NM_004238.3); c.1228+3A>C (NM_001348331.1, NM_001348317.1, NM_001284215.2 and 2 more transcripts); c.1267+3A>C (NM_001348332.1); c.1354+3A>C (NM_001284214.2, NM_001348319.1, NM_001348333.1 and 11 more transcripts).
Identifiers: ClinVar variation 1804264 (VCV001804264.2), dbSNP rs2473920497, ClinGen allele CA2580065969.

ClinVar aggregate classification (germline): Uncertain significance (1 of 4 stars; one submission).

Submission:

GeneDx
Classification: Uncertain significance. Last evaluated: 2024-08-05. Review status: criteria provided, single submitter. Criteria: GeneDx Variant Classification Process June 2021. Collection method: clinical testing. Allele origin: germline.
Comment: Not observed at significant frequency in large population cohorts (gnomAD); In silico analysis supports a deleterious effect on splicing; Has not been previously published as pathogenic or benign to our knowledge